The following is an entry in ClinVar:

ClinVar aggregate classification (germline): Conflicting classifications of pathogenicity. Review status: criteria provided, conflicting classifications (1 of 4 stars). 2 submissions from 2 submitters: Uncertain significance (1); Likely benign (1). Last evaluated 2021-07-21.

Conditions:
Hereditary nonpolyposis colorectal neoplasms. Identifiers: MedGen C0009405, MeSH D003123.
Hereditary cancer-predisposing syndrome. Also called: Hereditary Cancer Syndrome; Hereditary neoplastic syndrome; Neoplastic Syndromes, Hereditary; Tumor predisposition. Identifiers: Orphanet 140162, MedGen C0027672, MeSH D009386, MONDO:0015356.

Submissions (2):

Ambry Genetics
Classification: Likely benign for Hereditary cancer-predisposing syndrome. Last evaluated: 2021-07-21. Review status: criteria provided, single submitter. Criteria: Ambry Variant Classification Scheme 2023. Collection method: clinical testing. Allele origin: germline.

Labcorp Genetics (formerly Invitae), Labcorp
Classification: Uncertain significance for Hereditary nonpolyposis colorectal neoplasms. Last evaluated: 2017-07-07. Review status: criteria provided, single submitter. Criteria: Invitae Variant Classification Sherloc (09022015). Collection method: clinical testing. Allele origin: germline.
Comment: Algorithms developed to predict the effect of missense changes on protein structure and function output the following: SIFT: "Tolerated"; PolyPhen-2: "Benign"; Align-GVGD: "Class C0". The alanine amino acid residue is found in multiple mammalian species, suggesting that this missense change does not adversely affect protein function. These predictions have not been confirmed by published functional studies and their clinical significance is uncertain. In summary, the available evidence is currently insufficient to determine the role of this variant in disease. Therefore, it has been classified as a Variant of Uncertain Significance. This variant has not been reported in the literature in individuals with PMS2-related disease. This variant is not present in population databases (ExAC no frequency). This sequence change replaces threonine with alanine at codon 458 of the PMS2 protein (p.Thr458Ala). The threonine residue is weakly conserved and there is a small physicochemical difference between threonine and alanine.

NM_000535.7(PMS2):c.1372A>G (p.Thr458Ala)

Gene: PMS2 (PMS1 homolog 2, mismatch repair system component; minus strand). Cytogenetic location: 7p22.1.
Variant type: single nucleotide variant.
Coding change: c.1372A>G on transcript NM_000535.7 (MANE Select); coding-DNA position 1372, A replaced by G.
Protein change: p.Thr458Ala; replaces threonine 458 with alanine.
Molecular consequence: missense variant. On other transcripts: non-coding transcript variant (1).
Genome position (GRCh38, 1-based): chr7:5,987,393, T>C on the plus strand (A>G on the coding strand, the complement: PMS2 is on the minus strand). VCF-style: chr7-5987393-T-C. GRCh37 (hg19) VCF-style: chr7-6027024-T-C.
Other names: c.967A>G, p.Thr323Ala (NM_001322003.2, NM_001322004.2, NM_001322005.2 and 1 more transcripts); c.1216A>G, p.Thr406Ala (NM_001322006.2); c.1054A>G, p.Thr352Ala (NM_001322007.2, NM_001322008.2); c.811A>G, p.Thr271Ala (NM_001322010.2); c.439A>G, p.Thr147Ala (NM_001322011.2, NM_001322012.2); c.799A>G, p.Thr267Ala (NM_001322013.2); c.1372A>G, p.Thr458Ala (NM_001322014.2); c.1063A>G, p.Thr355Ala (NM_001322015.2); short protein forms T458A, T355A, T323A, T406A, T147A, T267A, T271A, T352A.
Identifiers: ClinVar variation 455649 (VCV000455649.11), dbSNP rs779306532, ClinGen allele CA366742208.
Genomic context (GRCh38, chr7:5,987,393, plus strand): 5'-TGGAACTCACTGCCTCTTTCTGAGGTCTCAGGACGCCTTTGTCAGAGATGGCACCTGAAG[T>C]GCTAGAAGACAGCATACCCCTTTTCTGTCCTAGAGGGCTCCTTCTTGGTTCTGGAGTCTT-3'
Protein context (NP_000526.2, residues 448-468): GQKRGMLSSS[Thr458Ala]SGAISDKGVL